The following is an entry in ClinVar:

NM_133259.4(LRPPRC):c.2084del (p.Met695fs)

Gene: LRPPRC (leucine rich pentatricopeptide repeat containing; minus strand). Cytogenetic location: 2p21.
Variant type: Deletion.
Coding change: c.2084del on transcript NM_133259.4 (MANE Select); coding-DNA position 2084, one base deleted (T; older notation c.2084delT).
Protein change: p.Met695fs; shifts the reading frame from methionine 695.
Molecular consequence: frameshift variant.
Genome position (GRCh38, 1-based): chr2:43,946,239, A deleted on the plus strand (T on the coding strand, the reverse complement: LRPPRC is on the minus strand). VCF-style (leftmost placement, unchanged base first): chr2-43946238-CA-C. GRCh37 (hg19) VCF-style: chr2-44173377-CA-C.
Other names: c.2084del (NM_133259.3); short protein forms M695fs.
Identifiers: ClinVar variation 2030541 (VCV002030541.5), dbSNP rs1185381711, ClinGen allele CA769067879.

ClinVar aggregate classification (germline): Pathogenic/Likely pathogenic. Review status: criteria provided, multiple submitters, no conflicts (2 of 4 stars). 2 submissions from 2 submitters: Pathogenic (1); Likely pathogenic (1). Last evaluated 2026-01-14.

Conditions:
Congenital lactic acidosis, Saguenay-Lac-Saint-Jean type (MC4DN5). Also called: MITOCHONDRIAL COMPLEX IV DEFICIENCY, NUCLEAR TYPE 5; CYTOCHROME c OXIDASE DEFICIENCY, FRENCH CANADIAN TYPE; COX DEFICIENCY, FRENCH CANADIAN TYPE. Identifiers: Orphanet 70472, MedGen C1857355, MONDO:0009069, OMIM 220111.

Allele frequency attached by ClinVar (database versions not stated): TOPMed 0.00001.

Submissions (2):

Natera, Inc.
Classification: Likely pathogenic for French-Canadian type Leigh syndrome. Last evaluated: 2026-01-14. Review status: criteria provided, single submitter. Criteria: Natera Variant Classification Schema (03/2026). Collection method: clinical testing. Allele origin: germline.
Comment: The c.2084del variant in LRPPRC is a frameshift variant predicted to shift the reading frame beginning at codon 695 and leads to a stop codon 7 codons downstream. This variant is expected to result in nonsense mediated decay, truncation, or a dysfunctional protein product. This variant is rare in the general population with a frequency below the threshold expected for the associated phenotype(s). Given the available evidence, this variant is classified as Likely Pathogenic.

Labcorp Genetics (formerly Invitae), Labcorp
Classification: Pathogenic. Last evaluated: 2023-08-21. Review status: criteria provided, single submitter. Criteria: Invitae Variant Classification Sherloc (09022015). Collection method: clinical testing. Allele origin: germline.
Comment: For these reasons, this variant has been classified as Pathogenic. Algorithms developed to predict the effect of sequence changes on RNA splicing suggest that this variant may create or strengthen a splice site. ClinVar contains an entry for this variant (Variation ID: 2030541). This variant has not been reported in the literature in individuals affected with LRPPRC-related conditions. This variant is not present in population databases (gnomAD no frequency). This sequence change creates a premature translational stop signal (p.Met695Serfs*7) in the LRPPRC gene. It is expected to result in an absent or disrupted protein product. Loss-of-function variants in LRPPRC are known to be pathogenic (PMID: 26510951).

Literature cited by the submitters: PubMed 26510951 (cited by Labcorp Genetics (formerly Invitae), Labcorp).